The following is an entry in ClinVar:

ClinVar aggregate classification (germline): Pathogenic. Review status: criteria provided, single submitter (1 of 4 stars). 2 submissions from 2 submitters: Pathogenic (1). 1 of the submissions does not count toward it. Last evaluated 2025-08-05.

Conditions:
CFTR-related disorder (CFTR-RD). Also called: CFTR-related condition; CFTR-related disorders. Identifiers: MedGen C5924204, MONDO:7770004.
Cystic fibrosis (CF). Also called: MUCOVISCIDOSIS. Identifiers: Orphanet 586, MedGen C0010674, MONDO:0009061, OMIM 219700. Disease mechanism: loss of function.

Submissions (2):

Natera, Inc.
Classification: Pathogenic for CFTR-related disorders. Last evaluated: 2025-08-05. Review status: criteria provided, single submitter. Criteria: Natera Variant Classification Schema (03/2026). Collection method: clinical testing. Allele origin: germline.
Comment: The c.56G>A variant in CFTR is a nonsense variant predicted to introduce a stop codon at amino acid 19. This variant is expected to result in nonsense mediated decay, truncation, or a dysfunctional protein product. This variant is rare in the general population with a frequency below the threshold expected for the associated phenotype(s). This variant has been observed in one or more individuals affected with the associated recessive disease, as either homozygous or compound heterozygous with a second variant (PMID: 25910067). Given the available evidence, this variant is classified as Pathogenic.

Counsyl
Classification: Likely pathogenic for Cystic fibrosis. Last evaluated: 2015-11-17. Review status: no assertion criteria provided. Collection method: clinical testing. Allele origin: unknown. Not counted in ClinVar's aggregate classification.

Literature cited by the submitters: PubMed 25910067 (cited by Natera, Inc. and Counsyl).

NM_000492.4(CFTR):c.56G>A (p.Trp19Ter)

Gene: CFTR (CF transmembrane conductance regulator; plus strand). Cytogenetic location: 7q31.2.
Variant type: single nucleotide variant.
Coding change: c.56G>A on transcript NM_000492.4 (MANE Select); coding-DNA position 56, G replaced by A.
Protein change: p.Trp19Ter; replaces tryptophan 19 with a stop codon.
Molecular consequence: nonsense.
Genome position (GRCh38, 1-based): chr7:117,504,255, G>A. VCF-style: chr7-117504255-G-A. GRCh37 (hg19) VCF-style: chr7-117144309-G-A.
Other names: short protein forms W19*.
Identifiers: ClinVar variation 370097 (VCV000370097.4), dbSNP rs1057516232, ClinGen allele CA16041124.